The following is an entry in ClinVar:

ClinVar aggregate classification (germline): Uncertain significance (1 of 4 stars; one submission).

Allele frequency attached by ClinVar (database versions not stated): ExAC 0.00001.
gnomAD v4.1: 1 of 1,613,942 alleles (0.000062%); highest among the groups gnomAD compares: Middle Eastern, 0.016%; no homozygotes.

Submission:

Labcorp Genetics (formerly Invitae), Labcorp
Classification: Uncertain significance. Last evaluated: 2023-07-17. Review status: criteria provided, single submitter. Criteria: Invitae Variant Classification Sherloc (09022015). Collection method: clinical testing. Allele origin: germline.
Comment: In summary, the available evidence is currently insufficient to determine the role of this variant in disease. Therefore, it has been classified as a Variant of Uncertain Significance. An algorithm developed to predict the effect of missense changes on protein structure and function (PolyPhen-2) suggests that this variant is likely to be tolerated. This variant has not been reported in the literature in individuals affected with IL18BP-related conditions. This variant is present in population databases (rs746988216, gnomAD 0.0009%). This sequence change replaces valine, which is neutral and non-polar, with leucine, which is neutral and non-polar, at codon 57 of the IL18BP protein (p.Val57Leu).

NM_001039660.2(IL18BP):c.169G>C (p.Val57Leu)

Gene: IL18BP (interleukin 18 binding protein; plus strand). Cytogenetic location: 11q13.4.
Variant type: single nucleotide variant.
Coding change: c.169G>C on transcript NM_001039660.2 (MANE Select); coding-DNA position 169, G replaced by C.
Protein change: p.Val57Leu; replaces valine 57 with leucine.
Molecular consequence: missense variant.
Genome position (GRCh38, 1-based): chr11:72,000,491, G>C. VCF-style: chr11-72000491-G-C. GRCh37 (hg19) VCF-style: chr11-71711537-G-C.
Other names: c.169G>C, p.Val57Leu (NM_001039659.2, NM_001145055.1, NM_001145057.1 and 3 more transcripts); short protein forms V57L.
Identifiers: ClinVar variation 2798244 (VCV002798244.3), dbSNP rs746988216, ClinGen allele CA6166131.